The following is an entry in ClinVar:

ClinVar aggregate classification (germline): Uncertain significance (1 of 4 stars; one submission).

Conditions:
Infantile liver failure syndrome 1 (ILFS1). Identifiers: Orphanet 370088, MedGen C3809522, MONDO:0024568, OMIM 615438.

gnomAD v4.1: 3 of 1,614,010 alleles (0.00019%); highest among the groups gnomAD compares: East Asian, 0.0045%; no homozygotes.

Submission:

3billion
Classification: Uncertain significance for Infantile liver failure syndrome 1. Last evaluated: 2025-05-08. Review status: criteria provided, single submitter. Criteria: ACMG Guidelines, 2015. Collection method: clinical testing. Allele origin: germline. Affected: yes.
Comment: The variant is observed at an extremely low frequency in the gnomAD v4.1.0 dataset (total allele frequency: <0.001%). Predicted Consequence/Location: Missense variant In silico tool predictions suggest damaging effect of the variant on gene or gene product [REVEL: 0.61 (>=0.6, sensitivity 0.68 and specificity 0.92)]. Therefore, this variant is classified as VUS according to the recommendation of ACMG/AMP guideline.

NM_020117.11(LARS1):c.1208T>G (p.Leu403Arg)

Gene: LARS1 (leucyl-tRNA synthetase 1; minus strand). Cytogenetic location: 5q32.
Variant type: single nucleotide variant.
Coding change: c.1208T>G on transcript NM_020117.11 (MANE Select); coding-DNA position 1208, T replaced by G.
Protein change: p.Leu403Arg; replaces leucine 403 with arginine.
Molecular consequence: missense variant.
Genome position (GRCh38, 1-based): chr5:146,153,756, A>C on the plus strand (T>G on the coding strand, the complement: LARS1 is on the minus strand). VCF-style: chr5-146153756-A-C. GRCh37 (hg19) VCF-style: chr5-145533319-A-C.
Other names: c.1070T>G, p.Leu357Arg (NM_001317964.2); c.1046T>G, p.Leu349Arg (NM_001317965.2); c.1127T>G, p.Leu376Arg (NM_016460.4); short protein forms L349R, L357R, L376R, L403R.
Identifiers: ClinVar variation 4854395 (VCV004854395.1).